The following is an entry in ClinVar:

ClinVar aggregate classification (germline): Pathogenic (1 of 4 stars; one submission).

Conditions:
Polycystic kidney disease, adult type (PKD1). Also called: Polycystic Kidney, Autosomal Dominant; POLYCYSTIC KIDNEY DISEASE 1 WITH OR WITHOUT POLYCYSTIC LIVER DISEASE; POLYCYSTIC KIDNEY DISEASE, ADULT, TYPE I; Polycystic Kidney Disease 1, Autosomal Dominant; Polycystic kidney disease 1; Polycystic kidney disease 1, severe. Identifiers: MedGen C3149841, MONDO:0008263, OMIM 173900.

Submission:

Juno Genomics, Hangzhou Juno Genomics, Inc
Classification: Pathogenic for Polycystic kidney disease, adult type. Review status: criteria provided, single submitter. Criteria: ACMG Guidelines, 2015. Collection method: clinical testing. Allele origin: germline. Affected: yes.
Comment: Null variant in a gene where loss of function (LOF) is a known mechanism of disease.;Absent from controls (or at extremely low frequency if recessive) in Genome Aggregation Database, Exome Sequencing Project, 1000 Genomes Project, or Exome Aggregation Consortium.;Patient's phenotype or family history is highly specific for a disease with a single genetic etiology.

NM_001009944.3(PKD1):c.8158dup (p.Thr2720fs)

Gene: PKD1 (polycystin 1, transient receptor potential channel interacting; minus strand). Cytogenetic location: 16p13.3.
Variant type: Duplication.
Coding change: c.8158dup on transcript NM_001009944.3 (MANE Select); coding-DNA position 8158, one base duplicated (A; older notation c.8158dupA).
Protein change: p.Thr2720fs; shifts the reading frame from threonine 2720.
Molecular consequence: frameshift variant.
Genome position (GRCh38, 1-based): chr16:2,104,501, T duplicated on the plus strand (A on the coding strand, the reverse complement: PKD1 is on the minus strand). VCF-style (leftmost placement, unchanged base first): chr16-2104500-G-GT. GRCh37 (hg19) VCF-style: chr16-2154501-G-GT.
Other names: c.8158dup, p.Thr2720fs (NM_000296.4); short protein forms T2720fs.
Identifiers: ClinVar variation 3335884 (VCV003335884.2).